The following is an entry in ClinVar:

ClinVar aggregate classification (germline): Uncertain significance (1 of 4 stars; one submission).

Conditions:
Muscular dystrophy-dystroglycanopathy (congenital with brain and eye anomalies), type a, 12 (MDDGA12). Also called: WALKER-WARBURG SYNDROME OR MUSCLE-EYE-BRAIN DISEASE, POMK-RELATED. Identifiers: Orphanet 899, MedGen C3808964, MONDO:0014101, OMIM 615249.
Limb-girdle muscular dystrophy due to POMK deficiency. Also called: MUSCULAR DYSTROPHY-DYSTROGLYCANOPATHY, LIMB-GIRDLE, POMK-RELATED; Muscular dystrophy-dystroglycanopathy (limb-girdle), type c, 12. Identifiers: Orphanet 445110, MedGen C4015184, MONDO:0014489, OMIM 616094.

Allele frequency attached by ClinVar (database versions not stated): gnomAD exomes below 0.00001; TOPMed below 0.00001.
gnomAD v4.1: 7 of 1,614,158 alleles (0.00043%); highest among the groups gnomAD compares: Middle Eastern, 0.016%; no homozygotes.

Submission:

Labcorp Genetics (formerly Invitae), Labcorp
Classification: Uncertain significance for Muscular dystrophy-dystroglycanopathy (congenital with brain and eye anomalies), type a, 12; Limb-girdle muscular dystrophy due to POMK deficiency. Last evaluated: 2021-12-22. Review status: criteria provided, single submitter. Criteria: Invitae Variant Classification Sherloc (09022015). Collection method: clinical testing. Allele origin: germline.
Comment: This sequence change replaces arginine, which is basic and polar, with glycine, which is neutral and non-polar, at codon 61 of the POMK protein (p.Arg61Gly). This variant is not present in population databases (gnomAD no frequency). This variant has not been reported in the literature in individuals affected with POMK-related conditions. Algorithms developed to predict the effect of missense changes on protein structure and function are either unavailable or do not agree on the potential impact of this missense change (SIFT: "Deleterious"; PolyPhen-2: "Benign"; Align-GVGD: "Class C0"). In summary, the available evidence is currently insufficient to determine the role of this variant in disease. Therefore, it has been classified as a Variant of Uncertain Significance.

NM_032237.5(POMK):c.181A>G (p.Arg61Gly)

Gene: POMK (protein O-mannose kinase; plus strand). Cytogenetic location: 8p11.21.
Variant type: single nucleotide variant.
Coding change: c.181A>G on transcript NM_032237.5 (MANE Select); coding-DNA position 181, A replaced by G.
Protein change: p.Arg61Gly; replaces arginine 61 with glycine.
Molecular consequence: missense variant.
Genome position (GRCh38, 1-based): chr8:43,103,729, A>G. VCF-style: chr8-43103729-A-G. GRCh37 (hg19) VCF-style: chr8-42958872-A-G.
Other names: c.181A>G, p.Arg61Gly (NM_001277971.2); short protein forms R61G.
Identifiers: ClinVar variation 1405599 (VCV001405599.5), dbSNP rs201953159, ClinGen allele CA176066441.